The following is an entry in ClinVar:

NM_004168.4(SDHA):c.109G>A (p.Val37Ile)

Gene: SDHA (succinate dehydrogenase complex flavoprotein subunit A; plus strand). Cytogenetic location: 5p15.33.
Variant type: single nucleotide variant.
Coding change: c.109G>A on transcript NM_004168.4 (MANE Select); coding-DNA position 109, G replaced by A.
Protein change: p.Val37Ile; replaces valine 37 with isoleucine.
Molecular consequence: missense variant.
Genome position (GRCh38, 1-based): chr5:223,527, G>A. VCF-style: chr5-223527-G-A. GRCh37 (hg19) VCF-style: chr5-223642-G-A.
Other names: c.109G>A, p.Val37Ile (NM_001294332.2, NM_001330758.2); short protein forms V37I.
Identifiers: ClinVar variation 239636 (VCV000239636.21), dbSNP rs758426529, ClinGen allele CA3172720.

ClinVar aggregate classification (germline): Conflicting classifications of pathogenicity. Review status: criteria provided, conflicting classifications (1 of 4 stars). 5 submissions from 5 submitters: Uncertain significance (2); Likely benign (2). 1 of the submissions does not count toward it. Last evaluated 2026-01-16.

Conditions:
Hereditary cancer-predisposing syndrome. Also called: Hereditary Cancer Syndrome; Hereditary neoplastic syndrome; Neoplastic Syndromes, Hereditary; Tumor predisposition. Identifiers: Orphanet 140162, MedGen C0027672, MeSH D009386, MONDO:0015356.
Mitochondrial complex II deficiency, nuclear type 1. Also called: SUCCINATE CoQ REDUCTASE DEFICIENCY. Identifiers: Orphanet 3208, MedGen C5700310, MONDO:0100294, OMIM 252011.
Pheochromocytoma/paraganglioma syndrome 5. Also called: Paragangliomas 5; SDHA-Related Hereditary Paraganglioma-Pheochromocytoma Syndrome. Identifiers: Orphanet 29072, MedGen C3279992, MONDO:0013602, OMIM 614165.

Allele frequency attached by ClinVar (database versions not stated): gnomAD exomes 0.00001 and 0.00012; gnomAD 0.00002; TOPMed 0.00004; ExAC 0.00012.
gnomAD v4.1: 20 of 1,613,788 alleles (0.0012%); highest among the groups gnomAD compares: East Asian, 0.038%; no homozygotes.

Submissions (5):

Labcorp Genetics (formerly Invitae), Labcorp
Classification: Likely benign for Pheochromocytoma/paraganglioma syndrome 5; Mitochondrial complex II deficiency, nuclear type 1. Last evaluated: 2026-01-16. Review status: criteria provided, single submitter. Criteria: Invitae Variant Classification Sherloc (09022015). Collection method: clinical testing. Allele origin: germline.

GeneDx
Classification: Uncertain significance. Last evaluated: 2023-05-02. Review status: criteria provided, single submitter. Criteria: GeneDx Variant Classification Process June 2021. Collection method: clinical testing. Allele origin: germline. Affected: yes.
Comment: In silico analysis supports that this missense variant does not alter protein structure/function; Has not been previously published as pathogenic or benign to our knowledge

Myriad Genetics, Inc.
Classification: Uncertain significance for Pheochromocytoma/paraganglioma syndrome 5. Last evaluated: 2023-04-21. Review status: criteria provided, single submitter. Criteria: Myriad Autosomal Dominant, Autosomal Recessive and X-Linked Classification Criteria (2023). Collection method: clinical testing. Allele origin: unknown.
Comment: This variant is classified as a variant of uncertain significance as there is insufficient evidence to determine its impact on protein function and/or cancer risk.

Ambry Genetics
Classification: Likely benign for Hereditary cancer-predisposing syndrome. Last evaluated: 2021-03-09. Review status: criteria provided, single submitter. Criteria: Ambry Variant Classification Scheme 2023. Collection method: clinical testing. Allele origin: germline.

Counsyl
Classification: Uncertain significance for Pheochromocytoma/paraganglioma syndrome 5. Last evaluated: 2017-10-24. Review status: no assertion criteria provided. Collection method: clinical testing. Allele origin: unknown. Not counted in ClinVar's aggregate classification.